The following is an entry in ClinVar:

NM_006329.4(FBLN5):c.1138A>G (p.Ile380Val)

Gene: FBLN5 (fibulin 5; minus strand). Cytogenetic location: 14q32.12.
Variant type: single nucleotide variant.
Coding change: c.1138A>G on transcript NM_006329.4 (MANE Select); coding-DNA position 1138, A replaced by G.
Protein change: p.Ile380Val; replaces isoleucine 380 with valine.
Molecular consequence: missense variant.
Genome position (GRCh38, 1-based): chr14:91,877,534, T>C on the plus strand (A>G on the coding strand, the complement: FBLN5 is on the minus strand). VCF-style: chr14-91877534-T-C. GRCh37 (hg19) VCF-style: chr14-92343878-T-C.
Other names: c.1261A>G, p.Ile421Val (NM_001384158.1); c.1189A>G, p.Ile397Val (NM_001384159.1); c.1138A>G, p.Ile380Val (NM_001384160.1); c.970A>G, p.Ile324Val (NM_001384161.1, NM_001384162.1); short protein forms I324V, I421V, I380V, I397V.
Identifiers: ClinVar variation 2955023 (VCV002955023.3), dbSNP rs2542751697, ClinGen allele CA390640525.
Genomic context (GRCh38, chr14:91,877,534, plus strand): 5'-CACTCCCTCTTACCCGCATGTAAAATTCTCTGCCCTCATTCCCAGATTTGATCTGGAAAA[T>C]GTAATAGGCCCCAGGGTAGCGGGTCGTGGCTTGCATTTGGAAGATGTCAGCGGGAACGGA-3'
Protein context (NP_006320.2, residues 370-390): ATTRYPGAYY[Ile380Val]FQIKSGNEGR

ClinVar aggregate classification (germline): Uncertain significance (1 of 4 stars; one submission).

Submission:

Labcorp Genetics (formerly Invitae), Labcorp
Classification: Uncertain significance. Last evaluated: 2023-01-16. Review status: criteria provided, single submitter. Criteria: Invitae Variant Classification Sherloc (09022015). Collection method: clinical testing. Allele origin: germline.
Comment: This sequence change replaces isoleucine, which is neutral and non-polar, with valine, which is neutral and non-polar, at codon 380 of the FBLN5 protein (p.Ile380Val). This variant is not present in population databases (gnomAD no frequency). In summary, the available evidence is currently insufficient to determine the role of this variant in disease. Therefore, it has been classified as a Variant of Uncertain Significance. Advanced modeling of protein sequence and biophysical properties (such as structural, functional, and spatial information, amino acid conservation, physicochemical variation, residue mobility, and thermodynamic stability) performed at Invitae indicates that this missense variant is not expected to disrupt FBLN5 protein function. This variant has not been reported in the literature in individuals affected with FBLN5-related conditions.